The following is an entry in ClinVar:

NM_001144967.3(NEDD4L):c.2548-13A>G

Gene: NEDD4L (NEDD4 like E3 ubiquitin protein ligase; plus strand). Cytogenetic location: 18q21.31.
Variant type: single nucleotide variant.
Coding change: c.2548-13A>G on transcript NM_001144967.3 (MANE Select); 13 bases into the intron before coding-DNA position 2548, A replaced by G.
Molecular consequence: intron variant.
Genome position (GRCh38, 1-based): chr18:58,389,072, A>G. VCF-style: chr18-58389072-A-G. GRCh37 (hg19) VCF-style: chr18-56056304-A-G.
Other names: c.2488-13A>G (NM_015277.6); c.2356-13A>G (NM_001243960.2); c.2185-13A>G (NM_001144964.1, NM_001144965.2, NM_001144966.3); c.2125-13A>G (NM_001144971.2, NM_001144970.3); c.2524-13A>G (NM_001144968.2); c.2464-13A>G (NM_001144969.2).
Identifiers: ClinVar variation 2998177 (VCV002998177.3), dbSNP rs2518457173, ClinGen allele CA2641973910.
Genomic context (GRCh38, chr18:58,389,072, plus strand): 5'-GGTGGTCATTTCTCAGTGTGTGATCTCGCACCTTTCACATCCTGCTTTTACATCTGGTAA[A>G]TTTTCTTCCTAGTTGCTCATGTGCGGCCTCGGTGATGTGGATGTGAATGACTGGAGACAG-3'

ClinVar aggregate classification (germline): Uncertain significance (1 of 4 stars; one submission).

gnomAD v4.1: 1 of 1,609,566 alleles (0.000062%); highest among the groups gnomAD compares: Non-Finnish European, 0.000085%; no homozygotes.

Submission:

Labcorp Genetics (formerly Invitae), Labcorp
Classification: Uncertain significance. Last evaluated: 2022-11-17. Review status: criteria provided, single submitter. Criteria: Invitae Variant Classification Sherloc (09022015). Collection method: clinical testing. Allele origin: germline.
Comment: This variant has not been reported in the literature in individuals affected with NEDD4L-related conditions. In summary, the available evidence is currently insufficient to determine the role of this variant in disease. Therefore, it has been classified as a Variant of Uncertain Significance. Algorithms developed to predict the effect of sequence changes on RNA splicing suggest that this variant may disrupt the consensus splice site. This variant is not present in population databases (gnomAD no frequency). This sequence change falls in intron 26 of the NEDD4L gene. It does not directly change the encoded amino acid sequence of the NEDD4L protein.